The following is an entry in ClinVar:

ClinVar aggregate classification (germline): Benign/Likely benign. Review status: criteria provided, multiple submitters, no conflicts (2 of 4 stars). 3 submissions from 3 submitters: Benign (1); Likely benign (2). Last evaluated 2024-09-10.

Conditions:
Familial cancer of breast. Also called: hereditary breast carcinoma; BREAST CANCER, FAMILIAL; Hereditary breast cancer. Identifiers: Orphanet 227535, MedGen C0346153, MONDO:0016419, OMIM 114480. Disease mechanism: loss of function.
Fanconi anemia complementation group J. Also called: BRIP1-Related Fanconi Anemia. Identifiers: Orphanet 84, MedGen C1836860, MONDO:0012187, OMIM 609054.
Hereditary cancer-predisposing syndrome. Also called: Tumor predisposition; Neoplastic Syndromes, Hereditary; Hereditary Cancer Syndrome; Hereditary neoplastic syndrome. Identifiers: Orphanet 140162, MedGen C0027672, MeSH D009386, MONDO:0015356.

Allele frequency attached by ClinVar (database versions not stated): gnomAD exomes below 0.00001; ExAC 0.00001; gnomAD 0.00001; 1000 Genomes Project 30x 0.00016; 1000 Genomes Project 0.00020.
gnomAD v4.1: 1 of 1,613,592 alleles (0.000062%); highest among the groups gnomAD compares: South Asian, 0.0011%; no homozygotes.

Submissions (3):

Myriad Genetics, Inc.
Classification: Benign for Familial cancer of breast. Last evaluated: 2024-09-10. Review status: criteria provided, single submitter. Criteria: Myriad Autosomal Dominant, Autosomal Recessive and X-Linked Classification Criteria (2023). Collection method: clinical testing. Allele origin: unknown.
Comment: This variant is considered benign. This variant is a silent/synonymous amino acid change and it is not expected to impact splicing.

Labcorp Genetics (formerly Invitae), Labcorp
Classification: Likely benign for Familial cancer of breast; Fanconi anemia complementation group J. Last evaluated: 2023-12-22. Review status: criteria provided, single submitter. Criteria: Invitae Variant Classification Sherloc (09022015). Collection method: clinical testing. Allele origin: germline.

Ambry Genetics
Classification: Likely benign for Hereditary cancer-predisposing syndrome. Last evaluated: 2020-01-13. Review status: criteria provided, single submitter. Criteria: Ambry Variant Classification Scheme 2023. Collection method: clinical testing. Allele origin: germline.

NM_032043.3(BRIP1):c.3627T>A (p.Ile1209=)

Gene: BRIP1 (BRCA1 interacting DNA helicase 1; minus strand). Cytogenetic location: 17q23.2.
Variant type: single nucleotide variant.
Coding change: c.3627T>A on transcript NM_032043.3 (MANE Select); coding-DNA position 3627, T replaced by A.
Protein change: p.Ile1209=; no amino-acid change (isoleucine 1209 retained).
Molecular consequence: synonymous variant.
Genome position (GRCh38, 1-based): chr17:61,683,419, A>T on the plus strand (T>A on the coding strand, the complement: BRIP1 is on the minus strand). VCF-style: chr17-61683419-A-T. GRCh37 (hg19) VCF-style: chr17-59760780-A-T.
Identifiers: ClinVar variation 1056468 (VCV001056468.9), dbSNP rs548674096, ClinGen allele CA8690346.